The following is an entry in ClinVar:

NM_002941.4(ROBO1):c.917+2T>C

Gene: ROBO1 (roundabout guidance receptor 1; minus strand). Cytogenetic location: 3p12.3.
Variant type: single nucleotide variant.
Coding change: c.917+2T>C on transcript NM_002941.4 (MANE Select); the canonical splice donor site of the intron after coding-DNA position 917, T replaced by C.
Molecular consequence: splice donor variant.
Genome position (GRCh38, 1-based): chr3:78,717,273, A>G on the plus strand (T>C on the coding strand, the complement: ROBO1 is on the minus strand). VCF-style: chr3-78717273-A-G. GRCh37 (hg19) VCF-style: chr3-78766423-A-G.
Other names: c.800+2T>C (NM_001145845.2, NM_133631.4).
Identifiers: ClinVar variation 2017623 (VCV002017623.5), dbSNP rs2472632341, ClinGen allele CA353663246.

ClinVar aggregate classification (germline): Likely pathogenic (1 of 4 stars; one submission).

Submissions (2):

Labcorp Genetics (formerly Invitae), Labcorp
Classification: Likely pathogenic. Last evaluated: 2024-01-24. Review status: criteria provided, single submitter. Criteria: Invitae Variant Classification Sherloc (09022015). Collection method: clinical testing. Allele origin: germline.
Comment: This sequence change affects a donor splice site in intron 7 of the ROBO1 gene. It is expected to disrupt RNA splicing. Variants that disrupt the donor or acceptor splice site typically lead to a loss of protein function (PMID: 16199547), and loss-of-function variants in ROBO1 are known to be pathogenic (PMID: 29194579, 35227688). This variant is not present in population databases (gnomAD no frequency). This variant has not been reported in the literature in individuals affected with ROBO1-related conditions. ClinVar contains an entry for this variant (Variation ID: 2017623). Algorithms developed to predict the effect of sequence changes on RNA splicing suggest that this variant may disrupt the consensus splice site. In summary, the currently available evidence indicates that the variant is pathogenic, but additional data are needed to prove that conclusively. Therefore, this variant has been classified as Likely Pathogenic.

Dr. Peter K. Rogan Lab, Western University
No classification provided (evidence only). Condition: Colon adenocarcinoma. Review status: no classification provided. Collection method: in vitro. Allele origin: not applicable. Functional consequence: retained intron. Not counted in ClinVar's aggregate classification.

Literature cited by the submitters: PubMed 16199547 (cited by Labcorp Genetics (formerly Invitae), Labcorp); PubMed 29194579 (cited by Labcorp Genetics (formerly Invitae), Labcorp); PubMed 35227688 (cited by Labcorp Genetics (formerly Invitae), Labcorp).